The following is an entry in ClinVar:

NM_001111125.3(IQSEC2):c.1405_1406del (p.Lys469fs)

Gene: IQSEC2 (IQ motif and Sec7 domain ArfGEF 2; minus strand). Cytogenetic location: Xp11.22.
Variant type: Deletion.
Coding change: c.1405_1406del on transcript NM_001111125.3 (MANE Select); coding-DNA positions 1405 to 1406, 2 bases deleted (AA; older notation c.1405_1406delAA).
Protein change: p.Lys469fs; shifts the reading frame from lysine 469.
Molecular consequence: frameshift variant.
Genome position (GRCh38, 1-based): chrX:53,251,170-53,251,171, TT deleted on the plus strand (AA on the coding strand, the reverse complement: IQSEC2 is on the minus strand); deleting any 2 consecutive bases within chrX:53,251,170-53,251,172 gives the same sequence; the c. name uses the placement nearest the transcript's 3' end. VCF-style (leftmost placement, unchanged base first): chrX-53251169-CTT-C. GRCh37 (hg19) VCF-style: chrX-53280351-CTT-C.
Other names: c.1405_1406del (NM_001111125.1); c.790_791del, p.Lys264fs (NM_015075.2); short protein forms K264fs, K469fs.
Identifiers: ClinVar variation 981356 (VCV000981356.2), dbSNP rs2074385548, ClinGen allele CA1139667572.
Genomic context (GRCh38, chrX:53,251,169, plus strand): 5'-CTCAGACATGGGCCCTGACGGGTGGCAGTTCAGGGCTTCGTCGATGGATTCAGCCAGAGA[CTT>C]TACCTGTGCAAGGGGGGGAGGAGAGGAGGGAAAGGGAGAGAAAAGAAAGAAAGATAAAGG-3'

ClinVar aggregate classification (germline): Pathogenic. Review status: criteria provided, multiple submitters, no conflicts (2 of 4 stars). 2 submissions from 2 submitters: Pathogenic (2). Last evaluated 2025-02-19.

Conditions:
Intellectual disability. Also called: intellectual disabilities; Intellectual developmental disorder; Intellectual functioning disability. Identifiers: MedGen C3714756, MeSH D008607, MONDO:0001071, HP:0001249.

Submissions (2):

GeneDx
Classification: Pathogenic. Last evaluated: 2025-02-19. Review status: criteria provided, single submitter. Criteria: GeneDx Variant Classification Process June 2021. Collection method: clinical testing. Allele origin: germline. Affected: yes.
Comment: Frameshift variant predicted to result in protein truncation or nonsense mediated decay in a gene for which loss of function is a known mechanism of disease; Not observed at significant frequency in large population cohorts (gnomAD); This variant is associated with the following publications: (PMID: 30328660, 30206421)

Diagnostic Laboratory, Strasbourg University Hospital
Classification: Pathogenic for Intellectual disability. Last evaluated: 2020-09-10. Review status: criteria provided, single submitter. Criteria: ACMG Guidelines, 2015. Collection method: clinical testing. Allele origin: de novo. Affected: yes. Observed: 1 hemizygote.